The following is an entry in ClinVar:

ClinVar aggregate classification (germline): Pathogenic (1 of 4 stars; one submission).

Conditions:
Neurofibromatosis, type 2 (SWNV). Also called: BILATERAL ACOUSTIC NEUROFIBROMATOSIS; SCHWANNOMATOSIS, VESTIBULAR; NF2-Related Schwannomatosis. Identifiers: Orphanet 637, MedGen C0027832, MONDO:0007039, OMIM 101000. Disease mechanism: loss of function.

Submission:

Labcorp Genetics (formerly Invitae), Labcorp
Classification: Pathogenic for Neurofibromatosis, type 2. Last evaluated: 2021-12-15. Review status: criteria provided, single submitter. Criteria: Invitae Variant Classification Sherloc (09022015). Collection method: clinical testing. Allele origin: germline.
Comment: This sequence change creates a premature translational stop signal (p.Glu421*) in the NF2 gene. It is expected to result in an absent or disrupted protein product. Loss-of-function variants in NF2 are known to be pathogenic (PMID: 9643284, 16983642). This variant is not present in population databases (gnomAD no frequency). This variant has not been reported in the literature in individuals affected with NF2-related conditions. For these reasons, this variant has been classified as Pathogenic.

Literature cited by the submitters: PubMed 9643284; PubMed 16983642.

NM_000268.4(NF2):c.1261G>T (p.Glu421Ter)

Gene: NF2 (NF2, moesin-ezrin-radixin like (MERLIN) tumor suppressor; plus strand). Cytogenetic location: 22q12.2.
Variant type: single nucleotide variant.
Coding change: c.1261G>T on transcript NM_000268.4 (MANE Select); coding-DNA position 1261, G replaced by T.
Protein change: p.Glu421Ter; replaces glutamic acid 421 with a stop codon.
Molecular consequence: nonsense. On other transcripts: non-coding transcript variant (1), intron variant (1).
Genome position (GRCh38, 1-based): chr22:29,673,407, G>T. VCF-style: chr22-29673407-G-T. GRCh37 (hg19) VCF-style: chr22-30069396-G-T.
Other names: c.1261G>T, p.Glu421Ter (NM_016418.5, NM_181825.3, NM_181832.3); c.1135G>T, p.Glu379Ter (NM_181828.3); c.1138G>T, p.Glu380Ter (NM_181829.3); c.1012G>T, p.Glu338Ter (NM_181830.3, NM_181831.3); c.448-21345G>T (NM_181833.3); short protein forms E379*, E380*, E338*, E421*.
Identifiers: ClinVar variation 1459561 (VCV001459561.6), dbSNP rs2147083330, ClinGen allele CA411148355.
Genomic context (GRCh38, chr22:29,673,407, plus strand): 5'-AAGGCCGCAGAGGCTGAGCAGGAAATGCAGCGCATCAAGGCCACAGCGATTCGCACGGAG[G>T]AGGAGAAGCGCCTGATGGAGCAGAAGGTGCTGGAAGCCGAGGTGCTGGCACTGAAGATGG-3'